The following is an entry in ClinVar:

ClinVar aggregate classification (germline): Uncertain significance (1 of 4 stars; one submission).

Conditions:
KBG syndrome (KBGS). Also called: ANKRD11-Related KBG Syndrome. Identifiers: Orphanet 2332, MedGen C0220687, MONDO:0007846, OMIM 148050.

Submission:

Labcorp Genetics (formerly Invitae), Labcorp
Classification: Uncertain significance for KBG syndrome. Last evaluated: 2025-07-21. Review status: criteria provided, single submitter. Criteria: Invitae Variant Classification Sherloc (09022015). Collection method: clinical testing. Allele origin: germline.
Comment: This sequence change replaces glycine, which is neutral and non-polar, with aspartic acid, which is acidic and polar, at codon 45 of the ANKRD11 protein (p.Gly45Asp). This variant is not present in population databases (gnomAD no frequency). This variant has not been reported in the literature in individuals affected with ANKRD11-related conditions. Invitae Evidence Modeling of protein sequence and biophysical properties (such as structural, functional, and spatial information, amino acid conservation, physicochemical variation, residue mobility, and thermodynamic stability) indicates that this missense variant is not expected to disrupt ANKRD11 protein function with a negative predictive value of 95%. In summary, the available evidence is currently insufficient to determine the role of this variant in disease. Therefore, it has been classified as a Variant of Uncertain Significance.

NM_013275.6(ANKRD11):c.134G>A (p.Gly45Asp)

Gene: ANKRD11 (ankyrin repeat domain 11; minus strand). Cytogenetic location: 16q24.3.
Variant type: single nucleotide variant.
Coding change: c.134G>A on transcript NM_013275.6 (MANE Select); coding-DNA position 134, G replaced by A.
Protein change: p.Gly45Asp; replaces glycine 45 with aspartic acid.
Molecular consequence: missense variant. On other transcripts: non-coding transcript variant (1).
Genome position (GRCh38, 1-based): chr16:89,305,298, C>T on the plus strand (G>A on the coding strand, the complement: ANKRD11 is on the minus strand). VCF-style: chr16-89305298-C-T. GRCh37 (hg19) VCF-style: chr16-89371706-C-T.
Other names: c.134G>A, p.Gly45Asp (NM_001256182.2, NM_001256183.2); short protein forms G45D.
Identifiers: ClinVar variation 4739058 (VCV004739058.1).